The following is an entry in ClinVar:

ClinVar aggregate classification (germline): Uncertain significance. Review status: criteria provided, multiple submitters, no conflicts (2 of 4 stars). 3 submissions from 3 submitters: Uncertain significance (3). Last evaluated 2024-06-03.

Conditions:
Hereditary nonpolyposis colorectal neoplasms. Identifiers: MedGen C0009405, MeSH D003123.
Hereditary cancer-predisposing syndrome. Also called: Neoplastic Syndromes, Hereditary; Tumor predisposition; Hereditary Cancer Syndrome; Hereditary neoplastic syndrome. Identifiers: Orphanet 140162, MedGen C0027672, MeSH D009386, MONDO:0015356.

gnomAD v4.1: 5 of 1,610,666 alleles (0.00031%); highest among the groups gnomAD compares: Non-Finnish European, 0.00042%; no homozygotes.

Submissions (3):

Ambry Genetics
Classification: Uncertain significance for Hereditary cancer-predisposing syndrome. Last evaluated: 2024-06-03. Review status: criteria provided, single submitter. Criteria: Ambry Variant Classification Scheme 2023. Collection method: clinical testing. Allele origin: germline.
Comment: The p.A14G variant (also known as c.41C>G), located in coding exon 2 of the PMS2 gene, results from a C to G substitution at nucleotide position 41. The alanine at codon 14 is replaced by glycine, an amino acid with similar properties. This amino acid position is well conserved in available vertebrate species. In addition, the in silico prediction for this alteration is inconclusive. Based on the available evidence, the clinical significance of this variant remains unclear.

Labcorp Genetics (formerly Invitae), Labcorp
Classification: Uncertain significance for Hereditary nonpolyposis colorectal neoplasms. Last evaluated: 2024-03-21. Review status: criteria provided, single submitter. Criteria: Invitae Variant Classification Sherloc (09022015). Collection method: clinical testing. Allele origin: germline.
Comment: This sequence change replaces alanine, which is neutral and non-polar, with glycine, which is neutral and non-polar, at codon 14 of the PMS2 protein (p.Ala14Gly). This variant is not present in population databases (gnomAD no frequency). This variant has not been reported in the literature in individuals affected with PMS2-related conditions. ClinVar contains an entry for this variant (Variation ID: 525798). Advanced modeling of protein sequence and biophysical properties (such as structural, functional, and spatial information, amino acid conservation, physicochemical variation, residue mobility, and thermodynamic stability) performed at Invitae indicates that this missense variant is not expected to disrupt PMS2 protein function with a negative predictive value of 80%. In summary, the available evidence is currently insufficient to determine the role of this variant in disease. Therefore, it has been classified as a Variant of Uncertain Significance.

GeneDx
Classification: Uncertain significance. Last evaluated: 2022-06-09. Review status: criteria provided, single submitter. Criteria: GeneDx Variant Classification Process June 2021. Collection method: clinical testing. Allele origin: germline. Affected: yes.
Comment: Not observed at significant frequency in large population cohorts (gnomAD); In silico analysis supports that this missense variant has a deleterious effect on protein structure/function; Has not been previously published as pathogenic or benign to our knowledge; This variant is associated with the following publications: (PMID: 11574484)

NM_000535.7(PMS2):c.41C>G (p.Ala14Gly)

Gene: PMS2 (PMS1 homolog 2, mismatch repair system component; minus strand). Cytogenetic location: 7p22.1.
Variant type: single nucleotide variant.
Coding change: c.41C>G on transcript NM_000535.7 (MANE Select); coding-DNA position 41, C replaced by G.
Protein change: p.Ala14Gly; replaces alanine 14 with glycine.
Molecular consequence: missense variant. On other transcripts: 5 prime UTR variant (8), non-coding transcript variant (1), intron variant (3).
Genome position (GRCh38, 1-based): chr7:6,006,014, G>C on the plus strand (C>G on the coding strand, the complement: PMS2 is on the minus strand). VCF-style: chr7-6006014-G-C. GRCh37 (hg19) VCF-style: chr7-6045645-G-C.
Other names: c.-365C>G (NM_001322003.2, NM_001322005.2, NM_001322009.2 and 1 more transcripts); c.41C>G, p.Ala14Gly (NM_001322006.2, NM_001322014.2); c.-175C>G (NM_001322007.2); c.-844C>G (NM_001322011.2, NM_001322012.2); c.-444C>G (NM_001322015.2); c.-52-1956C>G (NM_001322008.2); c.-242-1956C>G (NM_001322010.2, NM_001322004.2); short protein forms A14G.
Identifiers: ClinVar variation 525798 (VCV000525798.11), dbSNP rs750524554, ClinGen allele CA366745169.
Genomic context (GRCh38, chr7:6,006,014, plus strand): 5'-CTCAGTACCACCTGCCCAGAGCAAATCTGATGGACTGACTTCCGATCAATAGGTTTGATG[G>C]CCTTAGCAGGTTCTGTACTAGAGAAATCAGTTACAAGAAACAAATCAAGTATTCAGCTAT-3'
Protein context (NP_000526.2, residues 4-24): AESSSTEPAK[Ala14Gly]IKPIDRKSVH